The following is an entry in ClinVar:

ClinVar aggregate classification (germline): Uncertain significance (1 of 4 stars; one submission).

Conditions:
Hereditary spastic paraplegia 2 (SPG2). Also called: Spastic Paraplegia 2 (SPG2); SPASTIC PARAPLEGIA 2, X-LINKED. Identifiers: Orphanet 99015, MedGen C0751604, MONDO:0010733, OMIM 312920.

Submission:

Labcorp Genetics (formerly Invitae), Labcorp
Classification: Uncertain significance for Hereditary spastic paraplegia 2. Last evaluated: 2022-01-24. Review status: criteria provided, single submitter. Criteria: Invitae Variant Classification Sherloc (09022015). Collection method: clinical testing. Allele origin: germline.
Comment: In summary, the available evidence is currently insufficient to determine the role of this variant in disease. Therefore, it has been classified as a Variant of Uncertain Significance. Algorithms developed to predict the effect of missense changes on protein structure and function are either unavailable or do not agree on the potential impact of this missense change (SIFT: "Not Available"; PolyPhen-2: "Benign"; Align-GVGD: "Not Available"). This variant has not been reported in the literature in individuals affected with PLP1-related conditions. This variant is not present in population databases (gnomAD no frequency). This sequence change replaces asparagine, which is neutral and polar, with lysine, which is basic and polar, at codon 223 of the PLP1 protein (p.Asn223Lys).

NM_000533.5(PLP1):c.669C>A (p.Asn223Lys)

Genes: PLP1 (proteolipid protein 1; plus strand), RAB9B (RAB9B, member RAS oncogene family; minus strand). Cytogenetic location: Xq22.2.
Variant type: single nucleotide variant.
Coding change: c.669C>A on transcript NM_000533.5 (MANE Select); coding-DNA position 669, C replaced by A.
Protein change: p.Asn223Lys; replaces asparagine 223 with lysine.
Molecular consequence: missense variant.
Genome position (GRCh38, 1-based): chrX:103,788,483, C>A. VCF-style: chrX-103788483-C-A. GRCh37 (hg19) VCF-style: chrX-103043412-C-A.
Other names: c.669C>A, p.Asn223Lys (NM_001128834.3); c.504C>A, p.Asn168Lys (NM_001305004.1); c.564C>A, p.Asn188Lys (NM_199478.3); short protein forms N223K, N188K, N168K.
Identifiers: ClinVar variation 2087643 (VCV002087643.4), dbSNP rs2074517746, ClinGen allele CA414104361.